The following is an entry in ClinVar:

NM_001134407.3(GRIN2A):c.290G>A (p.Gly97Asp)

Gene: GRIN2A (glutamate ionotropic receptor NMDA type subunit 2A; minus strand). Cytogenetic location: 16p13.2.
Variant type: single nucleotide variant.
Coding change: c.290G>A on transcript NM_001134407.3 (MANE Select); coding-DNA position 290, G replaced by A.
Protein change: p.Gly97Asp; replaces glycine 97 with aspartic acid.
Molecular consequence: missense variant.
Genome position (GRCh38, 1-based): chr16:10,180,122, C>T on the plus strand (G>A on the coding strand, the complement: GRIN2A is on the minus strand). VCF-style: chr16-10180122-C-T. GRCh37 (hg19) VCF-style: chr16-10273979-C-T.
Other names: c.290G>A, p.Gly97Asp (NM_000833.5, NM_001134408.2); short protein forms G97D.
Identifiers: ClinVar variation 426551 (VCV000426551.3), dbSNP rs1085307680, ClinGen allele CA394715340.
Genomic context (GRCh38, chr16:10,180,122, plus strand): 5'-GAGATAAAATCCAGCATCTGGGCTACGGCCTCCTGGTCCGTGTCGTCCCCAAACACGAGG[C>T]CGTGGATGCGTGCCCCGGACATGAGGTCGCACACGTGCGTGATGAGGCTCTTGGGGTCGG-3'
Protein context (NP_001127879.1, residues 87-107): CDLMSGARIH[Gly97Asp]LVFGDDTDQE

ClinVar aggregate classification (germline): Uncertain significance (1 of 4 stars; one submission).

Submission:

GeneDx
Classification: Uncertain significance. Last evaluated: 2019-07-08. Review status: criteria provided, single submitter. Criteria: GeneDx Variant Classification Process June 2021. Collection method: clinical testing. Allele origin: germline. Affected: yes.
Comment: Not observed in large population cohorts (Lek et al., 2016); In silico analysis, which includes protein predictors and evolutionary conservation, supports a deleterious effect; Has not been previously published as pathogenic or benign to our knowledge